The following is an entry in ClinVar:

NM_183059.2(RD3):c.-1123T>C

Gene: RD3 (RD3 regulator of GUCY2D; minus strand). Cytogenetic location: 1q32.3.
Variant type: single nucleotide variant.
Coding change: c.-1123T>C on transcript NM_183059.2; 1123 bases upstream of the start codon, T replaced by C.
Genome position (GRCh38, 1-based): chr1:211,492,876, A>G on the plus strand (T>C on the coding strand, the complement: RD3 is on the minus strand). VCF-style: chr1-211492876-A-G. GRCh37 (hg19) VCF-style: chr1-211666218-A-G.
Identifiers: ClinVar variation 295305 (VCV000295305.8), dbSNP rs10863899, ClinGen allele CA10609060.
Genomic context (GRCh38, chr1:211,492,876, plus strand): 5'-AAGCCATGTGTGGGCCAGCTTGCACCTAACAGACATTAGGTAGCACTAAAACAGATGCAC[A>G]CTGCCCTGTGAGGGGCATGGGAATACTGTAATGGGCATGAAGCTGCATTATAATAGATCT-3'

ClinVar aggregate classification (germline): Benign. Review status: criteria provided, multiple submitters, no conflicts (2 of 4 stars). 2 submissions from 2 submitters: Benign (2). Last evaluated 2018-01-12.

Conditions:
Leber congenital amaurosis 12 (LCA12). Identifiers: Orphanet 65, MedGen C1857743, MONDO:0012525, OMIM 610612.

Allele frequency attached by ClinVar (database versions not stated): gnomAD 0.47181 and 0.46695; TOPMed 0.47482; 1000 Genomes Project 0.48203; gnomAD exomes 0.34000; 1000 Genomes Project 30x 0.48798.

Submissions (2):

Illumina Laboratory Services, Illumina
Classification: Benign for Leber congenital amaurosis 12. Last evaluated: 2018-01-12. Review status: criteria provided, single submitter. Criteria: ICSL Variant Classification Criteria 13 December 2019. Collection method: clinical testing. Allele origin: germline.
Comment: This variant was observed in the ICSL laboratory as part of a predisposition screen in an ostensibly healthy population. It had not been previously curated by ICSL or reported in the Human Gene Mutation Database (HGMD: prior to June 1st, 2018), and was therefore a candidate for classification through an automated scoring system. Utilizing variant allele frequency, disease prevalence and penetrance estimates, and inheritance mode, an automated score was calculated to assess if this variant is too frequent to cause the disease. Based on the score and internal cut-off values, a variant classified as benign is not then subjected to further curation. The score for this variant resulted in a classification of benign for this disease.

Breakthrough Genomics
Classification: Benign. Review status: criteria provided, single submitter. Criteria: ACMG Guidelines, 2015. Collection method: not provided. Allele origin: germline. Inheritance: Autosomal recessive inheritance. Affected: yes.